The following is an entry in ClinVar:

NM_000417.3(IL2RA):c.*1549C>T

Gene: IL2RA (interleukin 2 receptor subunit alpha; minus strand). Cytogenetic location: 10p15.1.
Variant type: single nucleotide variant.
Coding change: c.*1549C>T on transcript NM_000417.3 (MANE Select); 1549 bases downstream of the stop codon, C replaced by T.
Molecular consequence: 3 prime UTR variant.
Genome position (GRCh38, 1-based): chr10:6,011,323, G>A on the plus strand (C>T on the coding strand, the complement: IL2RA is on the minus strand). VCF-style: chr10-6011323-G-A. GRCh37 (hg19) VCF-style: chr10-6053286-G-A.
Other names: c.*1549C>T (NM_001308242.2, NM_001308243.2).
Identifiers: ClinVar variation 300222 (VCV000300222.6), dbSNP rs12722604, ClinGen allele CA10628729.

ClinVar aggregate classification (germline): Benign. Review status: criteria provided, multiple submitters, no conflicts (2 of 4 stars). 2 submissions from 2 submitters: Benign (2). Last evaluated 2018-01-12.

Conditions:
Immunodeficiency due to CD25 deficiency. Also called: IMMUNODEFICIENCY 41 WITH LYMPHOPROLIFERATION AND AUTOIMMUNITY; CD25 DEFICIENCY; IL2RA DEFICIENCY. Identifiers: Orphanet 169100, MedGen C1853392, MONDO:0011664, OMIM 606367.

Allele frequency attached by ClinVar (database versions not stated): gnomAD exomes 0.03521; gnomAD 0.03738 and 0.04214; TOPMed 0.04317; 1000 Genomes Project 30x 0.08948; 1000 Genomes Project 0.09405.
gnomAD v4.1: 6,369 of 152,064 alleles (4.2%); highest among the groups gnomAD compares: East Asian, 30%; 359 homozygotes.

Submissions (2):

Illumina Laboratory Services, Illumina
Classification: Benign for Immunodeficiency due to CD25 deficiency. Last evaluated: 2018-01-12. Review status: criteria provided, single submitter. Criteria: ICSL Variant Classification Criteria 13 December 2019. Collection method: clinical testing. Allele origin: germline.
Comment: This variant was observed in the ICSL laboratory as part of a predisposition screen in an ostensibly healthy population. It had not been previously curated by ICSL or reported in the Human Gene Mutation Database (HGMD: prior to June 1st, 2018), and was therefore a candidate for classification through an automated scoring system. Utilizing variant allele frequency, disease prevalence and penetrance estimates, and inheritance mode, an automated score was calculated to assess if this variant is too frequent to cause the disease. Based on the score and internal cut-off values, a variant classified as benign is not then subjected to further curation. The score for this variant resulted in a classification of benign for this disease.

Breakthrough Genomics
Classification: Benign. Review status: criteria provided, single submitter. Criteria: ACMG Guidelines, 2015. Collection method: not provided. Allele origin: germline. Inheritance: Autosomal recessive inheritance. Affected: yes.